The following is an entry in ClinVar:

NM_006206.6(PDGFRA):c.2049C>G (p.Val683=)

Gene: PDGFRA (platelet derived growth factor receptor alpha; plus strand). Cytogenetic location: 4q12.
Variant type: single nucleotide variant.
Coding change: c.2049C>G on transcript NM_006206.6 (MANE Select); coding-DNA position 2049, C replaced by G.
Protein change: p.Val683=; no amino-acid change (valine 683 retained).
Molecular consequence: synonymous variant.
Genome position (GRCh38, 1-based): chr4:54,278,408, C>G. VCF-style: chr4-54278408-C-G. GRCh37 (hg19) VCF-style: chr4-55144575-C-G.
Other names: c.2049C>G, p.Val683= (NM_001347827.2, NM_001347829.2); c.2124C>G, p.Val708= (NM_001347828.2); c.2088C>G, p.Val696= (NM_001347830.2).
Identifiers: ClinVar variation 459037 (VCV000459037.39), dbSNP rs200719395, ClinGen allele CA2922743.

ClinVar aggregate classification (germline): Benign/Likely benign. Review status: criteria provided, multiple submitters, no conflicts (2 of 4 stars). 5 submissions from 5 submitters: Benign (1); Likely benign (4). Last evaluated 2026-06-17.

Conditions:
Hereditary cancer-predisposing syndrome. Also called: Hereditary neoplastic syndrome; Neoplastic Syndromes, Hereditary; Hereditary Cancer Syndrome; Tumor predisposition. Identifiers: Orphanet 140162, MedGen C0027672, MeSH D009386, MONDO:0015356.
Gastrointestinal stromal tumor. Also called: Gastrointestinal stromal tumor, somatic; Gastrointestinal stroma tumor. Identifiers: Orphanet 44890, MedGen C0238198, MeSH D046152, MONDO:0011719, OMIM 606764, HP:0100723.
Polyps, multiple and recurrent inflammatory fibroid, gastrointestinal. Identifiers: MedGen C5193005, MONDO:0008285, OMIM 175510.

Allele frequency attached by ClinVar (database versions not stated): ExAC 0.00002; gnomAD exomes 0.00002 and 0.00003; TOPMed 0.00003; gnomAD 0.00005 and 0.00001; 1000 Genomes Project 30x 0.00031; 1000 Genomes Project 0.00040.
gnomAD v4.1: 64 of 1,613,616 alleles (0.004%); highest among the groups gnomAD compares: African/African-American, 0.041%; no homozygotes.

Submissions (5):

Myriad Genetics, Inc.
Classification: Benign for Polyps, multiple and recurrent inflammatory fibroid, gastrointestinal. Last evaluated: 2026-06-17. Review status: criteria provided, single submitter. Criteria: Myriad Autosomal Dominant, Autosomal Recessive and X-Linked Classification Criteria (2023). Collection method: clinical testing. Allele origin: unknown.
Comment: This variant is considered benign. This variant is a silent/synonymous amino acid change and it is not expected to impact splicing.

Labcorp Genetics (formerly Invitae), Labcorp
Classification: Likely benign for Gastrointestinal stromal tumor. Last evaluated: 2026-01-21. Review status: criteria provided, single submitter. Criteria: Invitae Variant Classification Sherloc (09022015). Collection method: clinical testing. Allele origin: germline.

Blueprint Genetics
Classification: Likely benign. Last evaluated: 2024-08-13. Review status: criteria provided, single submitter. Criteria: ACMG Guidelines, 2015. Collection method: clinical testing. Allele origin: germline.

CeGaT Center for Human Genetics Tuebingen
Classification: Likely benign. Last evaluated: 2022-04-01. Review status: criteria provided, single submitter. Criteria: CeGaT Center For Human Genetics Tuebingen Variant Classification Criteria Version 2. Collection method: clinical testing. Allele origin: germline. Affected: yes. Observed: 1 variant allele.
Comment: PDGFRA: BP4, BP7

Ambry Genetics
Classification: Likely benign for Hereditary cancer-predisposing syndrome. Last evaluated: 2020-03-20. Review status: criteria provided, single submitter. Criteria: Ambry Variant Classification Scheme 2023. Collection method: clinical testing. Allele origin: germline.